The following is an entry in ClinVar:

ClinVar aggregate classification (germline): Uncertain significance (1 of 4 stars; one submission).

Submission:

GeneDx
Classification: Uncertain significance. Last evaluated: 2024-07-15. Review status: criteria provided, single submitter. Criteria: GeneDx Variant Classification Process June 2021. Collection method: clinical testing. Allele origin: germline. Affected: yes.
Comment: Not observed at significant frequency in large population cohorts (gnomAD); Missense variant in a gene in which most reported pathogenic variants are truncating/loss of function; Has not been previously published as pathogenic or benign to our knowledge

NM_001267550.2(TTN):c.54958A>G (p.Lys18320Glu)

Genes: TTN (titin; minus strand), TTN-AS1 (TTN antisense RNA 1; plus strand). Cytogenetic location: 2q31.2.
Variant type: single nucleotide variant.
Coding change: c.54958A>G on transcript NM_001267550.2 (MANE Select); coding-DNA position 54958, A replaced by G.
Protein change: p.Lys18320Glu; replaces lysine 18320 with glutamic acid.
Molecular consequence: missense variant.
Genome position (GRCh38, 1-based): chr2:178,602,444, T>C on the plus strand (A>G on the coding strand, the complement: TTN is on the minus strand). VCF-style: chr2-178602444-T-C. GRCh37 (hg19) VCF-style: chr2-179467171-T-C.
Other names: c.50035A>G, p.Lys16679Glu (NM_001256850.1); c.27763A>G, p.Lys9255Glu (NM_003319.4); c.47254A>G, p.Lys15752Glu (NM_133378.4); c.28138A>G, p.Lys9380Glu (NM_133432.3); c.28339A>G, p.Lys9447Glu (NM_133437.4); short protein forms K15752E, K16679E, K18320E, K9255E, K9380E, K9447E.
Identifiers: ClinVar variation 3573750 (VCV003573750.1).